The following is an entry in ClinVar:

NM_004284.6(CHD1L):c.1386-2A>G

Gene: CHD1L (chromodomain helicase DNA binding protein 1 like; plus strand). Cytogenetic location: 1q21.1.
Variant type: single nucleotide variant.
Coding change: c.1386-2A>G on transcript NM_004284.6 (MANE Select); the canonical splice acceptor site of the intron before coding-DNA position 1386, A replaced by G.
Molecular consequence: splice acceptor variant.
Genome position (GRCh38, 1-based): chr1:147,276,102, A>G. VCF-style: chr1-147276102-A-G. GRCh37 (hg19) VCF-style: chr1-146747766-A-G.
Other names: NC_000001.10:g.146747766A>G; c.1170-2A>G (NM_001348451.2, NM_001348452.2); c.543-2A>G (NM_001348462.2, NM_001348460.2, NM_001348465.2 and 9 more transcripts); c.897-2A>G (NM_001348455.2); c.1047-2A>G (NM_024568.4, NM_001348453.2); c.1086-2A>G (NM_001256336.3); c.930-2A>G (NM_001348454.2); c.774-2A>G (NM_001256338.3).
Identifiers: ClinVar variation 3053379 (VCV003053379.3), dbSNP rs113139670, ClinGen allele CA1063684.

ClinVar aggregate classification (germline): Likely benign (0 of 4 stars; one submission).

Conditions:
CHD1L-related disorder. Also called: CHD1L-related condition.

Allele frequency attached by ClinVar (database versions not stated): TOPMed 0.00064; gnomAD 0.00082; ExAC 0.00090; ESP Exome Variant Server 0.00108; gnomAD exomes 0.00116.
gnomAD v4.1: 1,779 of 1,613,820 alleles (0.11%); highest among the groups gnomAD compares: Non-Finnish European, 0.14%; 3 homozygotes.

Submissions (13):

PreventionGenetics, part of Exact Sciences
Classification: Likely benign for CHD1L-related condition. Last evaluated: 2022-02-10. Review status: no assertion criteria provided. Collection method: clinical testing. Allele origin: germline.
Comment: This variant is classified as likely benign based on ACMG/AMP sequence variant interpretation guidelines (Richards et al. 2015 PMID: 25741868, with internal and published modifications).

Dr. Peter K. Rogan Lab, Western University
No classification provided (evidence only). Condition: Ovarian serous cystadenocarcinoma. Review status: no classification provided. Collection method: in vitro. Allele origin: not applicable. Functional consequence: retained intron. Not counted in ClinVar's aggregate classification.

Dr. Peter K. Rogan Lab, Western University
No classification provided (evidence only). Condition: Ovarian serous cystadenocarcinoma. Review status: no classification provided. Collection method: in vitro. Allele origin: not applicable. Functional consequence: retained intron. Not counted in ClinVar's aggregate classification.

Dr. Peter K. Rogan Lab, Western University
No classification provided (evidence only). Condition: Gastric cancer. Review status: no classification provided. Collection method: in vitro. Allele origin: not applicable. Functional consequence: retained intron. Not counted in ClinVar's aggregate classification.

Dr. Peter K. Rogan Lab, Western University
No classification provided (evidence only). Condition: Gastric cancer. Review status: no classification provided. Collection method: in vitro. Allele origin: not applicable. Functional consequence: retained intron. Not counted in ClinVar's aggregate classification.

Dr. Peter K. Rogan Lab, Western University
No classification provided (evidence only). Condition: Gastric cancer. Review status: no classification provided. Collection method: in vitro. Allele origin: not applicable. Functional consequence: retained intron. Not counted in ClinVar's aggregate classification.

Dr. Peter K. Rogan Lab, Western University
No classification provided (evidence only). Condition: Malignant tumor of esophagus. Review status: no classification provided. Collection method: in vitro. Allele origin: not applicable. Functional consequence: retained intron. Not counted in ClinVar's aggregate classification.

Dr. Peter K. Rogan Lab, Western University
No classification provided (evidence only). Condition: Lung cancer. Review status: no classification provided. Collection method: in vitro. Allele origin: not applicable. Functional consequence: retained intron. Not counted in ClinVar's aggregate classification.

Dr. Peter K. Rogan Lab, Western University
No classification provided (evidence only). Condition: Familial cancer of breast. Review status: no classification provided. Collection method: in vitro. Allele origin: not applicable. Functional consequence: retained intron. Not counted in ClinVar's aggregate classification.

Dr. Peter K. Rogan Lab, Western University
No classification provided (evidence only). Condition: Cervical cancer. Review status: no classification provided. Collection method: in vitro. Allele origin: not applicable. Functional consequence: retained intron. Not counted in ClinVar's aggregate classification.

Dr. Peter K. Rogan Lab, Western University
No classification provided (evidence only). Condition: Cervical cancer. Review status: no classification provided. Collection method: in vitro. Allele origin: not applicable. Functional consequence: retained intron. Not counted in ClinVar's aggregate classification.

Dr. Peter K. Rogan Lab, Western University
No classification provided (evidence only). Condition: Sarcoma. Review status: no classification provided. Collection method: in vitro. Allele origin: not applicable. Functional consequence: retained intron. Not counted in ClinVar's aggregate classification.

Dr. Peter K. Rogan Lab, Western University
No classification provided (evidence only). Condition: Sarcoma. Review status: no classification provided. Collection method: in vitro. Allele origin: not applicable. Functional consequence: retained intron. Not counted in ClinVar's aggregate classification.